The following is an entry in ClinVar:

NM_006545.5(NPRL2):c.638C>T (p.Ala213Val)

Gene: NPRL2 (NPR2 like, GATOR1 complex subunit; minus strand). Cytogenetic location: 3p21.31.
Variant type: single nucleotide variant.
Coding change: c.638C>T on transcript NM_006545.5 (MANE Select); coding-DNA position 638, C replaced by T.
Protein change: p.Ala213Val; replaces alanine 213 with valine.
Molecular consequence: missense variant.
Genome position (GRCh38, 1-based): chr3:50,348,730, G>A on the plus strand (C>T on the coding strand, the complement: NPRL2 is on the minus strand). VCF-style: chr3-50348730-G-A. GRCh37 (hg19) VCF-style: chr3-50386161-G-A.
Other names: short protein forms A213V.
Identifiers: ClinVar variation 5009750 (VCV005009750.1).

ClinVar aggregate classification (germline): Uncertain significance (1 of 4 stars; one submission).

Submission:

GeneDx
Classification: Uncertain significance. Last evaluated: 2026-02-18. Review status: criteria provided, single submitter. Criteria: GeneDx Variant Classification Process June 2021. Collection method: clinical testing. Allele origin: germline.
Comment: Not observed at significant frequency in large population cohorts (gnomAD); In silico analysis supports that this missense variant has a deleterious effect on protein structure/function; Has not been previously published as pathogenic or benign to our knowledge; In silico analysis is inconclusive as to whether the variant alters gene splicing. In the absence of RNA/functional studies, the actual effect of this sequence change is unknown.